The following is an entry in ClinVar:

NM_001242896.3(DEPDC5):c.2156C>T (p.Thr719Ile)

Gene: DEPDC5 (DEP domain containing 5, GATOR1 subcomplex subunit; plus strand). Cytogenetic location: 22q12.3.
Variant type: single nucleotide variant.
Coding change: c.2156C>T on transcript NM_001242896.3 (MANE Select); coding-DNA position 2156, C replaced by T.
Protein change: p.Thr719Ile; replaces threonine 719 with isoleucine.
Molecular consequence: missense variant. On other transcripts: non-coding transcript variant (5).
Genome position (GRCh38, 1-based): chr22:31,833,966, C>T. VCF-style: chr22-31833966-C-T. GRCh37 (hg19) VCF-style: chr22-32229952-C-T.
Other names: c.2156C>T, p.Thr719Ile (NM_001136029.4, NM_001363852.2, NM_001364318.2 and 3 more transcripts); c.1922C>T, p.Thr641Ile (NM_001242897.2, NM_001363854.2, NM_001364319.2); c.2072C>T, p.Thr691Ile (NM_001369901.1, NM_001369902.1); short protein forms T691I, T641I, T719I.
Identifiers: ClinVar variation 3705995 (VCV003705995.2).

ClinVar aggregate classification (germline): Uncertain significance (1 of 4 stars; one submission).

Conditions:
Familial focal epilepsy with variable foci (FPEVF). Identifiers: Orphanet 98820, MedGen C1858477, MONDO:0020310.

Submission:

Labcorp Genetics (formerly Invitae), Labcorp
Classification: Uncertain significance for Familial focal epilepsy with variable foci. Last evaluated: 2024-07-25. Review status: criteria provided, single submitter. Criteria: Invitae Variant Classification Sherloc (09022015). Collection method: clinical testing. Allele origin: germline.
Comment: This sequence change replaces threonine, which is neutral and polar, with isoleucine, which is neutral and non-polar, at codon 719 of the DEPDC5 protein (p.Thr719Ile). This variant is present in population databases (rs774481410, gnomAD 0.0009%). This variant has not been reported in the literature in individuals affected with DEPDC5-related conditions. Experimental studies and prediction algorithms are not available or were not evaluated, and the functional significance of this variant is currently unknown. In summary, the available evidence is currently insufficient to determine the role of this variant in disease. Therefore, it has been classified as a Variant of Uncertain Significance.